The following is an entry in ClinVar:

ClinVar aggregate classification (germline): Likely benign (1 of 4 stars; one submission).

Allele frequency attached by ClinVar (database versions not stated): ExAC 0.00028; ESP Exome Variant Server 0.00031; TOPMed 0.00034; gnomAD 0.00043; 1000 Genomes Project 30x 0.00047; 1000 Genomes Project 0.00060; gnomAD exomes 0.00064.
gnomAD v4.1: 964 of 1,580,938 alleles (0.061%); highest among the groups gnomAD compares: Non-Finnish European, 0.077%; no homozygotes.

Submission:

CeGaT Center for Human Genetics Tuebingen
Classification: Likely benign. Last evaluated: 2026-06-01. Review status: criteria provided, single submitter. Criteria: CeGaT Center For Human Genetics Tuebingen Variant Classification Criteria Version 2. Collection method: clinical testing. Allele origin: germline. Affected: yes. Observed: 2 variant alleles.
Comment: SMG8: BP4, BP7

NM_018149.7(SMG8):c.432G>A (p.Gln144=)

Gene: SMG8 (SMG8 nonsense mediated mRNA decay factor; plus strand). Cytogenetic location: 17q22.
Variant type: single nucleotide variant.
Coding change: c.432G>A on transcript NM_018149.7 (MANE Select); coding-DNA position 432, G replaced by A.
Protein change: p.Gln144=; no amino-acid change (glutamine 144 retained).
Molecular consequence: synonymous variant.
Genome position (GRCh38, 1-based): chr17:59,210,483, G>A. VCF-style: chr17-59210483-G-A. GRCh37 (hg19) VCF-style: chr17-57287844-G-A.
Identifiers: ClinVar variation 2647974 (VCV002647974.24), dbSNP rs62081948, ClinGen allele CA8679462.